The following is an entry in ClinVar:

NM_001164508.2(NEB):c.19102G>A (p.Val6368Ile)

Gene: NEB (nebulin; minus strand). Cytogenetic location: 2q23.3.
Variant type: single nucleotide variant.
Coding change: c.19102G>A on transcript NM_001164508.2 (MANE Select); coding-DNA position 19102, G replaced by A.
Protein change: p.Val6368Ile; replaces valine 6368 with isoleucine.
Molecular consequence: missense variant.
Genome position (GRCh38, 1-based): chr2:151,561,108, C>T on the plus strand (G>A on the coding strand, the complement: NEB is on the minus strand). VCF-style: chr2-151561108-C-T. GRCh37 (hg19) VCF-style: chr2-152417622-C-T.
Other names: c.19102G>A, p.Val6368Ile (NM_001164507.2, NM_001271208.2); c.13999G>A, p.Val4667Ile (NM_004543.5); short protein forms V4667I, V6368I.
Identifiers: ClinVar variation 2031500 (VCV002031500.1), dbSNP rs2552189363, ClinGen allele CA348795122.

ClinVar aggregate classification (germline): Uncertain significance (1 of 4 stars; one submission).

Conditions:
Nemaline myopathy 2 (NEM2). Also called: Nemaline myopathy 2, autosomal recessive. Identifiers: MedGen C1850569, MONDO:0009725, OMIM 256030.

Submission:

Labcorp Genetics (formerly Invitae), Labcorp
Classification: Uncertain significance for Nemaline myopathy 2. Last evaluated: 2021-12-03. Review status: criteria provided, single submitter. Criteria: Invitae Variant Classification Sherloc (09022015). Collection method: clinical testing. Allele origin: germline.
Comment: This sequence change replaces valine, which is neutral and non-polar, with isoleucine, which is neutral and non-polar, at codon 6368 of the NEB protein (p.Val6368Ile). This variant is not present in population databases (gnomAD no frequency). This variant has not been reported in the literature in individuals affected with NEB-related conditions. Algorithms developed to predict the effect of missense changes on protein structure and function are either unavailable or do not agree on the potential impact of this missense change (SIFT: "Deleterious"; PolyPhen-2: "Not Available"; Align-GVGD: "Class C0"). In summary, the available evidence is currently insufficient to determine the role of this variant in disease. Therefore, it has been classified as a Variant of Uncertain Significance.